The following is an entry in ClinVar:

ClinVar aggregate classification (germline): Likely benign (1 of 4 stars; one submission).

Conditions:
PKHD1-related disorder. Also called: PKHD1-related condition.

Submission:

PreventionGenetics, part of Exact Sciences
Classification: Likely benign for PKHD1-related condition. Last evaluated: 2025-11-07. Review status: criteria provided, single submitter. Criteria: ACMG Guidelines, 2015. Collection method: clinical testing. Allele origin: germline.
Comment: This variant is classified as likely benign based on ACMG/AMP sequence variant interpretation guidelines (Richards et al. 2015 PMID: 25741868, with internal and published modifications).

NM_138694.4(PKHD1):c.7659T>C (p.Asn2553=)

Gene: PKHD1 (PKHD1 ciliary IPT domain containing fibrocystin/polyductin; minus strand). Cytogenetic location: 6p12.2.
Variant type: single nucleotide variant.
Coding change: c.7659T>C on transcript NM_138694.4 (MANE Select); coding-DNA position 7659, T replaced by C.
Protein change: p.Asn2553=; no amino-acid change (asparagine 2553 retained).
Molecular consequence: synonymous variant.
Genome position (GRCh38, 1-based): chr6:51,867,937, A>G on the plus strand (T>C on the coding strand, the complement: PKHD1 is on the minus strand). VCF-style: chr6-51867937-A-G. GRCh37 (hg19) VCF-style: chr6-51732735-A-G.
Other names: c.7659T>C, p.Asn2553= (NM_170724.3).
Identifiers: ClinVar variation 4995080 (VCV004995080.1).